The following is an entry in ClinVar:

NM_003072.5(SMARCA4):c.3037G>A (p.Ala1013Thr)

Gene: SMARCA4 (SWI/SNF related BAF chromatin remodeling complex subunit ATPase 4; plus strand). Cytogenetic location: 19p13.2.
Variant type: single nucleotide variant.
Coding change: c.3037G>A on transcript NM_003072.5 (MANE Select); coding-DNA position 3037, G replaced by A.
Protein change: p.Ala1013Thr; replaces alanine 1013 with threonine.
Molecular consequence: missense variant. On other transcripts: non-coding transcript variant (1).
Genome position (GRCh38, 1-based): chr19:11,024,394, G>A. VCF-style: chr19-11024394-G-A. GRCh37 (hg19) VCF-style: chr19-11135070-G-A.
Other names: c.3037G>A, p.Ala1013Thr (NM_001128844.3, NM_001128845.2, NM_001128846.2 and 4 more transcripts); short protein forms A1013T.
Identifiers: ClinVar variation 822679 (VCV000822679.14), dbSNP rs1600301106, ClinGen allele CA404059016.

ClinVar aggregate classification (germline): Uncertain significance. Review status: criteria provided, multiple submitters, no conflicts (2 of 4 stars). 2 submissions from 2 submitters: Uncertain significance (2). Last evaluated 2026-03-02.

Conditions:
Rhabdoid tumor predisposition syndrome 2 (RTPS2). Identifiers: Orphanet 231108, Orphanet 69077, MedGen C2750074, MONDO:0013224, OMIM 613325.
Hereditary cancer-predisposing syndrome. Also called: Hereditary Cancer Syndrome; Tumor predisposition; Neoplastic Syndromes, Hereditary; Hereditary neoplastic syndrome. Identifiers: Orphanet 140162, MedGen C0027672, MeSH D009386, MONDO:0015356.

Allele frequency attached by ClinVar (database versions not stated): TOPMed 0.00001.

Submissions (2):

Ambry Genetics
Classification: Uncertain significance for Hereditary cancer-predisposing syndrome. Last evaluated: 2026-03-02. Review status: criteria provided, single submitter. Criteria: Ambry Variant Classification Scheme 2023. Collection method: clinical testing. Allele origin: germline.

Labcorp Genetics (formerly Invitae), Labcorp
Classification: Uncertain significance for Rhabdoid tumor predisposition syndrome 2. Last evaluated: 2025-05-18. Review status: criteria provided, single submitter. Criteria: Invitae Variant Classification Sherloc (09022015). Collection method: clinical testing. Allele origin: germline.
Comment: This sequence change replaces alanine, which is neutral and non-polar, with threonine, which is neutral and polar, at codon 1013 of the SMARCA4 protein (p.Ala1013Thr). This variant is not present in population databases (gnomAD no frequency). This variant has not been reported in the literature in individuals affected with SMARCA4-related conditions. ClinVar contains an entry for this variant (Variation ID: 822679). Invitae Evidence Modeling of protein sequence and biophysical properties (such as structural, functional, and spatial information, amino acid conservation, physicochemical variation, residue mobility, and thermodynamic stability) indicates that this missense variant is not expected to disrupt SMARCA4 protein function with a negative predictive value of 95%. In summary, the available evidence is currently insufficient to determine the role of this variant in disease. Therefore, it has been classified as a Variant of Uncertain Significance.